The following is an entry in ClinVar:

ClinVar aggregate classification (germline): Likely pathogenic. Review status: criteria provided, multiple submitters, no conflicts (2 of 4 stars). 2 submissions from 2 submitters: Likely pathogenic (2). Last evaluated 2024-07-11.

Conditions:
COL1A2-related disorder. Also called: COL1A2-Related Disorders; COL1A2-related condition.
Osteogenesis imperfecta with normal sclerae, dominant form (OI4). Also called: OSTEOGENESIS IMPERFECTA WITH NORMAL SCLERAE; Osteogenesis Imperfecta Type IV; OSTEOGENESIS IMPERFECTA, TYPE IV, WITH DENTINOGENESIS IMPERFECTA; Common Variable Osteogenesis Imperfecta with Normal Sclerae; Osteogenesis imperfecta type 4. Identifiers: Orphanet 216820, Orphanet 666, MedGen C0268363, MONDO:0008148, OMIM 166220.

Submissions (2):

Department of Orthopaedic Surgery, Nagoya University Graduate School of Medicine
Classification: Likely pathogenic for Osteogenesis imperfecta with normal sclerae, dominant form. Last evaluated: 2024-07-11. Review status: criteria provided, single submitter. Criteria: ACMG Guidelines, 2015. Collection method: clinical testing. Allele origin: germline. Affected: yes. Observed: 1 variant allele.
Comment: The COL1A2 variant (NM_000089.4:c.2504G>A) is predicted to result in the amino acid substitution p.Gly835Asp. This variant has been reported to be causative for skeletal dysplasia (PMID: 34627339) and the variant substituting the same amino acid residue (p.Gly835Ser) has been reported to be pathogenic for Osteogenesis imperfecta in multiple patients (PMID: 8829649, 27509835, 30692697, 32166892, 34358384). In addition, this variant has not been reported in a large population database, and in silico analysis supports a deleterious effect. Overall, the following ACMG criteria were applied in classifying this variant as likely pathogenic: PS1, PM2, PP4.

Blueprint Genetics
Classification: Likely pathogenic for COL1A2-related disorders. Last evaluated: 2020-03-30. Review status: criteria provided, single submitter. Criteria: ACMG Guidelines, 2015. Collection method: clinical testing. Allele origin: germline. Affected: yes. Observed: 1 variant allele.

NM_000089.4(COL1A2):c.2504G>A (p.Gly835Asp)

Gene: COL1A2 (collagen type I alpha 2 chain; plus strand). Cytogenetic location: 7q21.3.
Variant type: single nucleotide variant.
Coding change: c.2504G>A on transcript NM_000089.4 (MANE Select); coding-DNA position 2504, G replaced by A.
Protein change: p.Gly835Asp; replaces glycine 835 with aspartic acid.
Molecular consequence: missense variant.
Genome position (GRCh38, 1-based): chr7:94,423,057, G>A. VCF-style: chr7-94423057-G-A. GRCh37 (hg19) VCF-style: chr7-94052369-G-A.
Other names: short protein forms G835D.
Identifiers: ClinVar variation 1224430 (VCV001224430.4), dbSNP rs2115941300, ClinGen allele CA368224053.